The following is an entry in ClinVar:

NM_000088.4(COL1A1):c.3398G>C (p.Gly1133Ala)

Gene: COL1A1 (collagen type I alpha 1 chain; minus strand). Cytogenetic location: 17q21.33.
Variant type: single nucleotide variant.
Coding change: c.3398G>C on transcript NM_000088.4 (MANE Select); coding-DNA position 3398, G replaced by C.
Protein change: p.Gly1133Ala; replaces glycine 1133 with alanine.
Molecular consequence: missense variant.
Genome position (GRCh38, 1-based): chr17:50,187,509, C>G on the plus strand (G>C on the coding strand, the complement: COL1A1 is on the minus strand). VCF-style: chr17-50187509-C-G. GRCh37 (hg19) VCF-style: chr17-48264870-C-G.
Other names: short protein forms G1133A.
Identifiers: ClinVar variation 5037677 (VCV005037677.1).

ClinVar aggregate classification (germline): Pathogenic (1 of 4 stars; one submission).

Submission:

GeneDx
Classification: Pathogenic. Last evaluated: 2026-04-22. Review status: criteria provided, single submitter. Criteria: GeneDx Variant Classification Process June 2021. Collection method: clinical testing. Allele origin: germline.
Comment: Occurs in the triple helical domain and replaces a glycine in a canonical Gly-X-Y repeat; missense substitution of a canonical glycine residue is expected to disrupt normal protein folding and function, and this is an established mechanism of disease (PMID: 34007986); Identified in patients with osteogenesis imperfecta or clinical features consistent with a COL1A1-related disorder referred for genetic testing at GeneDx and in published literature (PMID: 27509835); Not observed at significant frequency in large population cohorts (gnomAD); In silico analysis supports that this missense variant has a deleterious effect on protein structure/function; This variant is associated with the following publications: (PMID: 34007986, 27509835)